The following is an entry in ClinVar:

NM_006648.4(WNK2):c.3335A>G (p.Gln1112Arg)

Gene: WNK2 (WNK lysine deficient protein kinase 2; plus strand). Cytogenetic location: 9q22.31.
Variant type: single nucleotide variant.
Coding change: c.3335A>G on transcript NM_006648.4 (MANE Select); coding-DNA position 3335, A replaced by G.
Protein change: p.Gln1112Arg; replaces glutamine 1112 with arginine.
Molecular consequence: missense variant.
Genome position (GRCh38, 1-based): chr9:93,262,082, A>G. VCF-style: chr9-93262082-A-G. GRCh37 (hg19) VCF-style: chr9-96024364-A-G.
Other names: c.3335A>G, p.Gln1112Arg (NM_001282394.3); short protein forms Q1112R.
Identifiers: ClinVar variation 4826211 (VCV004826211.1).

ClinVar aggregate classification (germline): Uncertain significance (1 of 4 stars; one submission).

Submission:

Ambry Genetics
Classification: Uncertain significance. Last evaluated: 2026-02-24. Review status: criteria provided, single submitter. Criteria: Ambry Variant Classification Scheme 2023. Collection method: clinical testing. Allele origin: germline.
Comment: The p.Q1112R variant (also known as c.3335A>G), located in coding exon 12 of the WNK2 gene, results from an A to G substitution at nucleotide position 3335. The glutamine at codon 1112 is replaced by arginine, an amino acid with highly similar properties. This amino acid position is conserved. In addition, the in silico prediction for this alteration is inconclusive. Based on the available evidence, the clinical significance of this variant remains unclear.